The following is an entry in ClinVar:

ClinVar aggregate classification (germline): Uncertain significance (1 of 4 stars; one submission).

Conditions:
Inborn genetic diseases. Identifiers: MedGen C0950123, MeSH D030342.

Allele frequency attached by ClinVar (database versions not stated): ExAC 0.00001; gnomAD 0.00001; gnomAD exomes 0.00001 and 0.00002; TOPMed 0.00003; ESP Exome Variant Server 0.00008.
gnomAD v4.1: 16 of 1,614,020 alleles (0.00099%); highest among the groups gnomAD compares: South Asian, 0.0011%; no homozygotes.

Submission:

Ambry Genetics
Classification: Uncertain significance for Inborn genetic diseases. Last evaluated: 2017-04-14. Review status: criteria provided, single submitter. Criteria: Ambry Variant Classification Scheme 2023. Collection method: clinical testing. Allele origin: germline.
Comment: The p.Y493C variant (also known as c.1478A>G), located in coding exon 8 of the TRAPPC9 gene, results from an A to G substitution at nucleotide position 1478. The tyrosine at codon 493 is replaced by cysteine, an amino acid with highly dissimilar properties. This amino acid position is highly conserved in available vertebrate species. In addition, this alteration is predicted to be deleterious by in silico analysis. Since supporting evidence is limited at this time, the clinical significance of this alteration remains unclear.

NM_001160372.4(TRAPPC9):c.1184A>G (p.Tyr395Cys)

Gene: TRAPPC9 (trafficking protein particle complex subunit 9; minus strand). Cytogenetic location: 8q24.3.
Variant type: single nucleotide variant.
Coding change: c.1184A>G on transcript NM_001160372.4 (MANE Select); coding-DNA position 1184, A replaced by G.
Protein change: p.Tyr395Cys; replaces tyrosine 395 with cysteine.
Molecular consequence: missense variant. On other transcripts: non-coding transcript variant (1).
Genome position (GRCh38, 1-based): chr8:140,371,131, T>C on the plus strand (A>G on the coding strand, the complement: TRAPPC9 is on the minus strand). VCF-style: chr8-140371131-T-C. GRCh37 (hg19) VCF-style: chr8-141381230-T-C.
Other names: c.1157A>G, p.Tyr386Cys (NM_001321646.2); c.1205A>G, p.Tyr402Cys (NM_001374682.1); c.1184A>G, p.Tyr395Cys (NM_001374683.1, NM_001374684.1, NM_031466.8); short protein forms Y395C, Y386C, Y402C.
Identifiers: ClinVar variation 589029 (VCV000589029.6), dbSNP rs370310318, ClinGen allele CA4893519.